The following is an entry in ClinVar:

ClinVar aggregate classification (germline): Uncertain significance (1 of 4 stars; one submission).

Conditions:
Spastic paraplegia. Identifiers: MedGen C0037772, HP:0001258.

Allele frequency attached by ClinVar (database versions not stated): ExAC 0.00001; gnomAD 0.00001; TOPMed 0.00002.
gnomAD v4.1: 14 of 1,613,756 alleles (0.00087%); highest among the groups gnomAD compares: African/African-American, 0.0027%; no homozygotes.

Submission:

Labcorp Genetics (formerly Invitae), Labcorp
Classification: Uncertain significance for Spastic paraplegia. Last evaluated: 2022-12-31. Review status: criteria provided, single submitter. Criteria: Invitae Variant Classification Sherloc (09022015). Collection method: clinical testing. Allele origin: germline.
Comment: Algorithms developed to predict the effect of sequence changes on RNA splicing suggest that this variant may disrupt the consensus splice site. In summary, the available evidence is currently insufficient to determine the role of this variant in disease. Therefore, it has been classified as a Variant of Uncertain Significance. This variant has not been reported in the literature in individuals affected with VAMP1-related conditions. This variant is present in population databases (rs761303589, gnomAD 0.007%). This sequence change affects codon 108 of the VAMP1 mRNA. It is a 'silent' change, meaning that it does not change the encoded amino acid sequence of the VAMP1 protein.

NM_014231.5(VAMP1):c.324C>T (p.Ile108=)

Genes: TAPBPL (TAP binding protein like; plus strand), VAMP1 (vesicle associated membrane protein 1; minus strand). Cytogenetic location: 12p13.31.
Variant type: single nucleotide variant.
Coding change: c.324C>T on transcript NM_014231.5 (MANE Select); coding-DNA position 324, C replaced by T.
Protein change: p.Ile108=; no amino-acid change (isoleucine 108 retained).
Molecular consequence: synonymous variant. On other transcripts: non-coding transcript variant (1).
Genome position (GRCh38, 1-based): chr12:6,464,906, G>A on the plus strand (C>T on the coding strand, the complement: VAMP1 is on the minus strand). VCF-style: chr12-6464906-G-A. GRCh37 (hg19) VCF-style: chr12-6574072-G-A.
Other names: c.324C>T, p.Ile108= (NM_001297438.2, NM_016830.4, NM_199245.3).
Identifiers: ClinVar variation 2724361 (VCV002724361.3), dbSNP rs761303589, ClinGen allele CA6407620.